The following is an entry in ClinVar:

NM_001110556.2(FLNA):c.4343C>G (p.Ala1448Gly)

Gene: FLNA (filamin A; minus strand). Cytogenetic location: Xq28.
Variant type: single nucleotide variant.
Coding change: c.4343C>G on transcript NM_001110556.2 (MANE Select); coding-DNA position 4343, C replaced by G.
Protein change: p.Ala1448Gly; replaces alanine 1448 with glycine.
Molecular consequence: missense variant.
Genome position (GRCh38, 1-based): chrX:154,359,115, G>C on the plus strand (C>G on the coding strand, the complement: FLNA is on the minus strand). VCF-style: chrX-154359115-G-C. GRCh37 (hg19) VCF-style: chrX-153587483-G-C.
Other names: c.4343C>G (NM_001456.3); c.4343C>G, p.Ala1448Gly (NM_001456.4); short protein forms A1448G.
Identifiers: ClinVar variation 1379875 (VCV001379875.8), dbSNP rs201886752, ClinGen allele CA337279314.
Genomic context (GRCh38, chrX:154,359,115, plus strand): 5'-GGGAGGTTGGCACGAACCATGCCTGGGCTCAGGCCGGGCCCAGAGCACTTGACCTTGGAC[G>C]CATCTGTCACATCATGCACAGGGACCTTGAAAGGACTGCCTGAGGGTTGGGGCAAAGGGA-3'
Protein context (NP_001104026.1, residues 1438-1458): FKVPVHDVTD[Ala1448Gly]SKVKCSGPGL

ClinVar aggregate classification (germline): Uncertain significance. Review status: criteria provided, multiple submitters, no conflicts (2 of 4 stars). 3 submissions from 3 submitters: Uncertain significance (3). Last evaluated 2026-03-15.

Conditions:
Heterotopia, periventricular, X-linked dominant (PVNH1). Also called: PERIVENTRICULAR NODULAR HETEROTOPIA 4; HETEROTOPIA, PERIVENTRICULAR, 1; PERIVENTRICULAR NODULAR HETEROTOPIA 1; X-linked periventricular heterotopia. Identifiers: Orphanet 2149, Orphanet 82004, MedGen C1848213, MONDO:0010233, OMIM 300049.
Melnick-Needles syndrome (MNS). Also called: MELNICK-NEEDLES OSTEODYSPLASTY; OSTEODYSPLASTY OF MELNICK AND NEEDLES; Melnick-Needles Syndrome (FLNA-MNS). Identifiers: Orphanet 2484, MedGen C0025237, MONDO:0010650, OMIM 309350.
Frontometaphyseal dysplasia (FMD1). Identifiers: Orphanet 1826, MedGen C0265293, MONDO:0015942.
Oto-palato-digital syndrome, type II (OPD2). Also called: FACIOPALATOOSSEOUS SYNDROME; OPD II SYNDROME; Otopalatodigital Syndrome, Type II; Otopalatodigital Syndrome Type 2 (FLNA-OPD2). Identifiers: Orphanet 669, Orphanet 90652, MedGen C1844696, MONDO:0010571, OMIM 304120.
Familial thoracic aortic aneurysm and aortic dissection (TAAD). Also called: Thoracic aortic aneurysms and dissections. Identifiers: Orphanet 91387, MedGen C4707243, MONDO:0019625.

Allele frequency attached by ClinVar (database versions not stated): gnomAD exomes 0.00001; TOPMed 0.00002.
gnomAD v4.1: 8 of 1,209,945 alleles (0.00066%); highest among the groups gnomAD compares: African/African-American, 0.0017%; no homozygotes.

Submissions (3):

Women's Health and Genetics/Laboratory Corporation of America, LabCorp
Classification: Uncertain significance. Last evaluated: 2026-03-15. Review status: criteria provided, single submitter. Criteria: LabCorp Variant Classification Summary - May 2015. Collection method: clinical testing. Allele origin: germline.

Labcorp Genetics (formerly Invitae), Labcorp
Classification: Uncertain significance for Oto-palato-digital syndrome, type II; Heterotopia, periventricular, X-linked dominant; Frontometaphyseal dysplasia; Melnick-Needles syndrome. Last evaluated: 2026-01-06. Review status: criteria provided, single submitter. Criteria: Invitae Variant Classification Sherloc (09022015). Collection method: clinical testing. Allele origin: germline.
Comment: This sequence change replaces alanine, which is neutral and non-polar, with glycine, which is neutral and non-polar, at codon 1448 of the FLNA protein (p.Ala1448Gly). This variant is not present in population databases (gnomAD no frequency). This variant has not been reported in the literature in individuals affected with FLNA-related conditions. ClinVar contains an entry for this variant (Variation ID: 1379875). Invitae Evidence Modeling of protein sequence and biophysical properties (such as structural, functional, and spatial information, amino acid conservation, physicochemical variation, residue mobility, and thermodynamic stability) indicates that this missense variant is not expected to disrupt FLNA protein function with a negative predictive value of 95%. In summary, the available evidence is currently insufficient to determine the role of this variant in disease. Therefore, it has been classified as a Variant of Uncertain Significance.

Ambry Genetics
Classification: Uncertain significance for Familial thoracic aortic aneurysm and aortic dissection. Last evaluated: 2024-09-14. Review status: criteria provided, single submitter. Criteria: Ambry Variant Classification Scheme 2023. Collection method: clinical testing. Allele origin: germline.
Comment: The p.A1448G variant (also known as c.4343C>G), located in coding exon 25 of the FLNA gene, results from a C to G substitution at nucleotide position 4343. The alanine at codon 1448 is replaced by glycine, an amino acid with similar properties. This amino acid position is not well conserved in available vertebrate species. In addition, this alteration is predicted to be tolerated by in silico analysis. Based on the available evidence, the clinical significance of this variant remains unclear.